The following is an entry in ClinVar:

NM_014363.6(SACS):c.140del (p.Ser47fs)

Genes: SACS (sacsin molecular chaperone; minus strand), LOC130009366 (ATAC-STARR-seq lymphoblastoid silent region 5172; plus strand). Cytogenetic location: 13q12.12.
Variant type: Deletion.
Coding change: c.140del on transcript NM_014363.6 (MANE Select); coding-DNA position 140, one base deleted (C; older notation c.140delC).
Protein change: p.Ser47fs; shifts the reading frame from serine 47.
Molecular consequence: frameshift variant. On other transcripts: 5 prime UTR variant (1).
Genome position (GRCh38, 1-based): chr13:23,375,150, G deleted on the plus strand (C on the coding strand, the reverse complement: SACS is on the minus strand). VCF-style (leftmost placement, unchanged base first): chr13-23375149-CG-C. GRCh37 (hg19) VCF-style: chr13-23949288-CG-C.
Other names: c.-214del (NM_001278055.2); c.140del, p.Ser47fs (NM_001437336.1); short protein forms S47fs.
Identifiers: ClinVar variation 5013414 (VCV005013414.1).
Genomic context (GRCh38, chr13:23,375,149, plus strand): 5'-CCCAGCCCAGCGCCCCCGGCCACCGCCTACCTCGCGGCCGCCGCGCCACAGCCGCTGCTC[CG>C]ACACCGGGAAGCCAGTCTCCGCGAAGATACGTTCCTTCACATCGCGCACGGTCCAGGACG-3'

ClinVar aggregate classification (germline): Pathogenic (1 of 4 stars; one submission).

Conditions:
Charlevoix-Saguenay spastic ataxia (SACS). Also called: AUTOSOMAL RECESSIVE SPASTIC ATAXIA OF CHARLEVOIX-SAGUENAY; Spastic ataxia of Charlevoix-Saguenay; SPASTIC ATAXIA 6, AUTOSOMAL RECESSIVE. Identifiers: Orphanet 98, MedGen C1849140, MONDO:0010041, OMIM 270550.

Submission:

Myriad Genetics, Inc.
Classification: Pathogenic for Charlevoix-Saguenay spastic ataxia. Last evaluated: 2024-08-03. Review status: criteria provided, single submitter. Criteria: Myriad Autosomal Dominant, Autosomal Recessive and X-Linked Classification Criteria (2023). Collection method: clinical testing. Allele origin: unknown.
Comment: NM_014363.4(SACS):c.140delC(S47Wfs*21) is expected to be pathogenic in the context of autosomal recessive spastic ataxia of Charlevoix-Saguenay. This variant is predicted to lead to an abnormal or absent protein product due to the creation of a premature termination codon in SACS, a gene where loss-of-function variants are known to be pathogenic. Please note: this variant was assessed in the context of healthy population screening.